The following is an entry in ClinVar:

NM_004387.4(NKX2-5):c.335-289G>T

Gene: NKX2-5 (NK2 homeobox 5; minus strand). Cytogenetic location: 5q35.1.
Variant type: single nucleotide variant.
Coding change: c.335-289G>T on transcript NM_004387.4 (MANE Select); 289 bases into the intron before coding-DNA position 335, G replaced by T.
Molecular consequence: intron variant. On other transcripts: stop lost (1).
Genome position (GRCh38, 1-based): chr5:173,233,498, C>A on the plus strand (G>T on the coding strand, the complement: NKX2-5 is on the minus strand). VCF-style: chr5-173233498-C-A. GRCh37 (hg19) VCF-style: chr5-172660501-C-A.
Other names: *113L; c.338G>T, p.Ter113Leu (NM_001166175.2); c.335-34G>T (NM_001166176.2).
Identifiers: ClinVar variation 432021 (VCV000432021.2), dbSNP rs1228923680, ClinGen allele CA362162358.

ClinVar aggregate classification (germline): Uncertain significance (1 of 4 stars; one submission).

Submission:

GeneDx
Classification: Uncertain significance. Last evaluated: 2017-06-07. Review status: criteria provided, single submitter. Criteria: GeneDx Variant Classification (06012015). Collection method: clinical testing. Allele origin: germline. Affected: yes.
Comment: The c.338 G>T variant in the NKX2-5 gene has not been reported previously as a pathogenic variant nor as a benign variant, to our knowledge. This variant is only present in a single alternate transcript of the NKX2-5 gene (NM_001166175.1), but not in any other known transcript, including the primary isoform used by the Human Gene Mutation database (NM_004387.3 ). The c.338 G>T variant eliminates the normal Stop codon and replaces it with a Leucine codon, ultimately adding 13 aberrant amino acids to the C-terminal end of the NKX2-5 protein, denoted p.Ter113LeuextX13. This alteration may interfere with the proper formation and/or function of the NKX2-5 protein. The c.338 G>T variant is not observed in large population cohorts (Lek et al., 2016; 1000 Genomes Consortium et al., 2015; Exome Variant Server). We interpret c.338 G>T as a variant of uncertain significance.